The following is an entry in ClinVar:

NM_032806.6(POMGNT2):c.154G>A (p.Asp52Asn)

Gene: POMGNT2 (protein O-linked mannose N-acetylglucosaminyltransferase 2 (beta 1,4-); minus strand). Cytogenetic location: 3p22.1.
Variant type: single nucleotide variant.
Coding change: c.154G>A on transcript NM_032806.6 (MANE Select); coding-DNA position 154, G replaced by A.
Protein change: p.Asp52Asn; replaces aspartic acid 52 with asparagine.
Molecular consequence: missense variant.
Genome position (GRCh38, 1-based): chr3:43,081,278, C>T on the plus strand (G>A on the coding strand, the complement: POMGNT2 is on the minus strand). VCF-style: chr3-43081278-C-T. GRCh37 (hg19) VCF-style: chr3-43122770-C-T.
Other names: c.154G>A (NM_032806.4); short protein forms D52N.
Identifiers: ClinVar variation 968117 (VCV000968117.7), dbSNP rs200869992, ClinGen allele CA2340146.

ClinVar aggregate classification (germline): Uncertain significance. Review status: criteria provided, multiple submitters, no conflicts (2 of 4 stars). 2 submissions from 2 submitters: Uncertain significance (2). Last evaluated 2024-10-24.

Conditions:
Muscular dystrophy-dystroglycanopathy (congenital with brain and eye anomalies), type a, 8 (MDDGA8). Also called: WALKER-WARBURG SYNDROME OR MUSCLE-EYE-BRAIN DISEASE, GTDC2-RELATED. Identifiers: Orphanet 899, MedGen C3553813, MONDO:0013904, OMIM 614830.
Inborn genetic diseases. Identifiers: MedGen C0950123, MeSH D030342.

Allele frequency attached by ClinVar (database versions not stated): gnomAD 0.00001 and 0.00002; TOPMed 0.00002; gnomAD exomes 0.00005; ExAC 0.00006; 1000 Genomes Project 0.00020; 1000 Genomes Project 30x 0.00031.

Submissions (2):

Labcorp Genetics (formerly Invitae), Labcorp
Classification: Uncertain significance for Muscular dystrophy-dystroglycanopathy (congenital with brain and eye anomalies), type a, 8. Last evaluated: 2024-10-24. Review status: criteria provided, single submitter. Criteria: Invitae Variant Classification Sherloc (09022015). Collection method: clinical testing. Allele origin: germline.
Comment: This sequence change replaces aspartic acid, which is acidic and polar, with asparagine, which is neutral and polar, at codon 52 of the POMGNT2 protein (p.Asp52Asn). This variant is present in population databases (rs200869992, gnomAD 0.06%). This variant has not been reported in the literature in individuals affected with POMGNT2-related conditions. ClinVar contains an entry for this variant (Variation ID: 968117). Invitae Evidence Modeling of protein sequence and biophysical properties (such as structural, functional, and spatial information, amino acid conservation, physicochemical variation, residue mobility, and thermodynamic stability) indicates that this missense variant is not expected to disrupt POMGNT2 protein function with a negative predictive value of 80%. In summary, the available evidence is currently insufficient to determine the role of this variant in disease. Therefore, it has been classified as a Variant of Uncertain Significance.

Ambry Genetics
Classification: Uncertain significance for Inborn genetic diseases. Last evaluated: 2024-06-02. Review status: criteria provided, single submitter. Criteria: Ambry Variant Classification Scheme 2023. Collection method: clinical testing. Allele origin: germline.